The following is an entry in ClinVar:

ClinVar aggregate classification (germline): Conflicting classifications of pathogenicity. Review status: criteria provided, conflicting classifications (1 of 4 stars). 4 submissions from 4 submitters: Uncertain significance (1); Likely benign (3). Last evaluated 2025-10-22.

Conditions:
Osteogenesis imperfecta type I (OI1). Also called: Lobstein's Disease; Lobstein disease; OI, TYPE I; OSTEOGENESIS IMPERFECTA TARDA; OSTEOGENESIS IMPERFECTA WITH BLUE SCLERAE; Osteogenesis imperfecta type 1. Identifiers: Orphanet 216796, Orphanet 666, MedGen C0023931, MONDO:0008146, OMIM 166200. Disease mechanism: loss of function.

Allele frequency attached by ClinVar (database versions not stated): gnomAD exomes 0.00001 and 0.00003; TOPMed 0.00001; gnomAD 0.00002; ExAC 0.00006; ESP Exome Variant Server 0.00008.
gnomAD v4.1: 22 of 1,591,068 alleles (0.0014%); highest among the groups gnomAD compares: Admixed American, 0.0073%; no homozygotes.

Submissions (4):

Labcorp Genetics (formerly Invitae), Labcorp
Classification: Uncertain significance for Osteogenesis imperfecta type I. Last evaluated: 2025-10-22. Review status: criteria provided, single submitter. Criteria: Invitae Variant Classification Sherloc (09022015). Collection method: clinical testing. Allele origin: germline.
Comment: This sequence change falls in intron 22 of the COL1A1 gene. It does not directly change the encoded amino acid sequence of the COL1A1 protein. It affects a nucleotide within the consensus splice site. This variant is present in population databases (rs369422507, gnomAD 0.007%). This variant has not been reported in the literature in individuals affected with COL1A1-related conditions. ClinVar contains an entry for this variant (Variation ID: 390506). Variants that disrupt the consensus splice site are a relatively common cause of aberrant splicing (PMID: 17576681, 9536098). Algorithms developed to predict the effect of sequence changes on RNA splicing suggest that this variant is not likely to affect RNA splicing. In summary, the available evidence is currently insufficient to determine the role of this variant in disease. Therefore, it has been classified as a Variant of Uncertain Significance.

Blueprint Genetics
Classification: Likely benign. Last evaluated: 2023-09-07. Review status: criteria provided, single submitter. Criteria: ACMG Guidelines, 2015. Collection method: clinical testing. Allele origin: germline.

ARUP Laboratories, Molecular Genetics and Genomics, ARUP Laboratories
Classification: Likely benign. Last evaluated: 2019-07-28. Review status: criteria provided, single submitter. Criteria: ARUP Molecular Germline Variant Investigation Process. Collection method: clinical testing. Allele origin: germline.

GeneDx
Classification: Likely benign. Last evaluated: 2019-06-13. Review status: criteria provided, single submitter. Criteria: GeneDx Variant Classification Process June 2021. Collection method: clinical testing. Allele origin: germline. Affected: yes.

Literature cited by the submitters: PubMed 17576681 (cited by Labcorp Genetics (formerly Invitae), Labcorp); PubMed 9536098 (cited by Labcorp Genetics (formerly Invitae), Labcorp).

NM_000088.4(COL1A1):c.1515+6C>T

Gene: COL1A1 (collagen type I alpha 1 chain; minus strand). Cytogenetic location: 17q21.33.
Variant type: single nucleotide variant.
Coding change: c.1515+6C>T on transcript NM_000088.4 (MANE Select); 6 bases into the intron after coding-DNA position 1515, C replaced by T.
Molecular consequence: intron variant.
Genome position (GRCh38, 1-based): chr17:50,194,567, G>A on the plus strand (C>T on the coding strand, the complement: COL1A1 is on the minus strand). VCF-style: chr17-50194567-G-A. GRCh37 (hg19) VCF-style: chr17-48271928-G-A.
Identifiers: ClinVar variation 390506 (VCV000390506.13), dbSNP rs369422507, ClinGen allele CA8645232.
Genomic context (GRCh38, chr17:50,194,567, plus strand): 5'-GCCAAAAGAGGAAGAAGATGCCCAGGGAGCGGCAGGGTCAGCCCCCCGGCCGCAAGGAGA[G>A]GTTACCTTGGGACCAGCAACACCATCTGCGCCAGGGAAACCACGGCTACCAGGTCCACCC-3'